The following is an entry in ClinVar:

ClinVar aggregate classification (germline): Benign/Likely benign. Review status: criteria provided, multiple submitters, no conflicts (2 of 4 stars). 6 submissions from 6 submitters: Benign (3); Likely benign (2). 1 of the submissions does not count toward it. Last evaluated 2026-01-27.

Conditions:
Congenital myasthenic syndrome 8. Also called: Myasthenic syndrome, congenital, 8, with pre- and postsynaptic defects; MYASTHENIC SYNDROME, CONGENITAL, DUE TO AGRIN DEFICIENCY. Identifiers: Orphanet 590, MedGen C3808739, MONDO:0014052, OMIM 615120.

Allele frequency attached by ClinVar (database versions not stated): gnomAD exomes 0.00106 and 0.00290; ExAC 0.00361; 1000 Genomes Project 0.01098; gnomAD 0.01118 and 0.01197; 1000 Genomes Project 30x 0.01124; ESP Exome Variant Server 0.01184; TOPMed 0.01210.
gnomAD v4.1: 3,363 of 1,613,086 alleles (0.21%); highest among the groups gnomAD compares: African/African-American, 3.9%; 59 homozygotes.

Submissions (6):

Labcorp Genetics (formerly Invitae), Labcorp
Classification: Benign for Congenital myasthenic syndrome 8. Last evaluated: 2026-01-27. Review status: criteria provided, single submitter. Criteria: Invitae Variant Classification Sherloc (09022015). Collection method: clinical testing. Allele origin: germline.

Mayo Clinic Laboratories, Mayo Clinic
Classification: Benign. Last evaluated: 2023-09-27. Review status: criteria provided, single submitter. Criteria: ACMG Guidelines, 2015. Collection method: clinical testing. Allele origin: germline. Observed: 4 variant alleles.
Comment: BS1, BS2, BP4, BP7

GeneDx
Classification: Likely benign. Last evaluated: 2020-12-14. Review status: criteria provided, single submitter. Criteria: GeneDx Variant Classification Process June 2021. Collection method: clinical testing. Allele origin: germline. Affected: yes.

Breakthrough Genomics
Classification: Likely benign. Review status: criteria provided, single submitter. Criteria: ACMG Guidelines, 2015. Collection method: not provided. Allele origin: germline. Inheritance: Autosomal recessive inheritance. Affected: yes.

PreventionGenetics, part of Exact Sciences
Classification: Benign. Review status: criteria provided, single submitter. Criteria: ACMG Guidelines, 2015. Collection method: clinical testing. Allele origin: germline.

Genetic Services Laboratory, University of Chicago
Classification: Likely benign for AllHighlyPenetrant. Review status: no assertion criteria provided. Collection method: clinical testing. Allele origin: germline. Inheritance: Autosomal recessive inheritance. Not counted in ClinVar's aggregate classification.
Comment: Likely benign based on allele frequency in 1000 Genomes Project or ESP global frequency and its presence in a patient with a rare or unrelated disease phenotype. NOT Sanger confirmed.

NM_198576.4(AGRN):c.3570C>T (p.Arg1190=)

Gene: AGRN (agrin; plus strand). Cytogenetic location: 1p36.33.
Variant type: single nucleotide variant.
Coding change: c.3570C>T on transcript NM_198576.4 (MANE Select); coding-DNA position 3570, C replaced by T.
Protein change: p.Arg1190=; no amino-acid change (arginine 1190 retained).
Molecular consequence: synonymous variant.
Genome position (GRCh38, 1-based): chr1:1,047,626, C>T. VCF-style: chr1-1047626-C-T. GRCh37 (hg19) VCF-style: chr1-983006-C-T.
Other names: p.Arg1190=; c.3570C>T (LRG_198t1); c.3570C>T, p.Arg1190= (NM_001305275.2); c.3255C>T, p.Arg1085= (NM_001364727.2).
Identifiers: ClinVar variation 128303 (VCV000128303.22), dbSNP rs75361935, ClinGen allele CA151642.
Genomic context (GRCh38, chr1:1,047,626, plus strand): 5'-GCCACAGCTGGACGACCTCTTCCGGAATTCAGACGTCAAGAAGGATTTTCGGAGTGTCCG[C>T]TTGCGGGACCTGGGGCCCGGCAAATCCGTCCGCGCCATTGTGGATGTGCACTTTGACCCC-3'
Protein context (NP_940978.2, residues 1180-1200): SDVKKDFRSV[Arg1190=]LRDLGPGKSV